The following is an entry in ClinVar:

NM_004336.5(BUB1):c.883G>A (p.Glu295Lys)

Gene: BUB1 (BUB1 mitotic checkpoint serine/threonine kinase; minus strand). Cytogenetic location: 2q13.
Variant type: single nucleotide variant.
Coding change: c.883G>A on transcript NM_004336.5 (MANE Select); coding-DNA position 883, G replaced by A.
Protein change: p.Glu295Lys; replaces glutamic acid 295 with lysine.
Molecular consequence: missense variant.
Genome position (GRCh38, 1-based): chr2:110,666,337, C>T on the plus strand (G>A on the coding strand, the complement: BUB1 is on the minus strand). VCF-style: chr2-110666337-C-T. GRCh37 (hg19) VCF-style: chr2-111423914-C-T.
Other names: c.823G>A, p.Glu275Lys (NM_001278616.2); c.883G>A, p.Glu295Lys (NM_001278617.2); short protein forms E295K, E275K.
Identifiers: ClinVar variation 1764846 (VCV001764846.2), dbSNP rs1409486480, ClinGen allele CA348216562.
Genomic context (GRCh38, chr2:110,666,337, plus strand): 5'-GGGAAGCGGGCAGATCCTCATGGGATGTCTCCACCACCTGATGCAACTTCTTATGAAGTT[C>T]ATCCATTTTCTGTTTTAATAGCTGTTCTTCAAAAGCATTTGCTTCTTTCCTTTTCATATA-3'
Protein context (NP_004327.1, residues 285-305): EEQLLKQKMD[Glu295Lys]LHKKLHQVVE

ClinVar aggregate classification (germline): Uncertain significance (1 of 4 stars; one submission).

Allele frequency attached by ClinVar (database versions not stated): gnomAD exomes below 0.00001; gnomAD 0.00001; TOPMed 0.00003.

Submission:

Ambry Genetics
Classification: Uncertain significance. Last evaluated: 2022-09-13. Review status: criteria provided, single submitter. Criteria: Ambry Variant Classification Scheme 2023. Collection method: clinical testing. Allele origin: germline.
Comment: The p.E295K variant (also known as c.883G>A), located in coding exon 9 of the BUB1 gene, results from a G to A substitution at nucleotide position 883. The glutamic acid at codon 295 is replaced by lysine, an amino acid with similar properties. This amino acid position is conserved. In addition, this alteration is predicted to be tolerated by in silico analysis. Since supporting evidence is limited at this time, the clinical significance of this alteration remains unclear.